The following is an entry in ClinVar:

ClinVar aggregate classification (germline): Likely benign (1 of 4 stars; one submission).

Conditions:
CEP164-related disorder. Also called: CEP164-related condition.

Submission:

PreventionGenetics, part of Exact Sciences
Classification: Likely benign for CEP164-related condition. Last evaluated: 2025-08-24. Review status: criteria provided, single submitter. Criteria: ACMG Guidelines, 2015. Collection method: clinical testing. Allele origin: germline.
Comment: This variant is classified as likely benign based on ACMG/AMP sequence variant interpretation guidelines (Richards et al. 2015 PMID: 25741868, with internal and published modifications).

NM_014956.5(CEP164):c.2868G>A (p.Lys956=)

Gene: CEP164 (centrosomal protein 164; plus strand). Cytogenetic location: 11q23.3.
Variant type: single nucleotide variant.
Coding change: c.2868G>A on transcript NM_014956.5 (MANE Select); coding-DNA position 2868, G replaced by A.
Protein change: p.Lys956=; no amino-acid change (lysine 956 retained).
Molecular consequence: synonymous variant.
Genome position (GRCh38, 1-based): chr11:117,395,146, G>A. VCF-style: chr11-117395146-G-A. GRCh37 (hg19) VCF-style: chr11-117265862-G-A.
Other names: c.2877G>A, p.Lys959= (NM_001271933.2, NM_001440949.1); c.2868G>A, p.Lys956= (NM_001440950.1, NM_001440951.1, NM_001440953.1); c.2703G>A, p.Lys901= (NM_001440952.1, NM_001440968.1, NM_001440969.1); c.2790G>A, p.Lys930= (NM_001440954.1, NM_001440955.1, NM_001440958.1 and 1 more transcripts); c.2781G>A, p.Lys927= (NM_001440956.1, NM_001440957.1); c.2739G>A, p.Lys913= (NM_001440960.1); c.2730G>A, p.Lys910= (NM_001440961.1, NM_001440967.1); c.2721G>A, p.Lys907= (NM_001440962.1, NM_001440963.1, NM_001440964.1 and 4 more transcripts); and 7 more.
Identifiers: ClinVar variation 4992246 (VCV004992246.1).
Genomic context (GRCh38, chr11:117,395,146, plus strand): 5'-TGCAGTCAGCCAGAAAATCCTGTCTCTTCCCTGCAAGGAGGAGACCGCCCGGAGGGAGAA[G>A]CAGCAGCTGCTTGATGTGCAGAGGCAGGTTGCTCTGAAGAGTGAGGTTTGTCTCCCTGTT-3'
Protein context (NP_055771.4, residues 946-966): EVQEETARRE[Lys956=]QQLLDVQRQV